The following is an entry in ClinVar:

ClinVar aggregate classification (germline): Likely benign. Review status: criteria provided, multiple submitters, no conflicts (2 of 4 stars). 4 submissions from 4 submitters: Likely benign (4). Last evaluated 2025-11-09.

Conditions:
KBG syndrome (KBGS). Also called: ANKRD11-Related KBG Syndrome. Identifiers: Orphanet 2332, MedGen C0220687, MONDO:0007846, OMIM 148050.

Allele frequency attached by ClinVar (database versions not stated): gnomAD 0.00003; TOPMed 0.00003; gnomAD exomes 0.00006; ExAC 0.00008.
gnomAD v4.1: 86 of 1,609,918 alleles (0.0053%); highest among the groups gnomAD compares: African/African-American, 0.025%; 1 homozygote.

Submissions (4):

Labcorp Genetics (formerly Invitae), Labcorp
Classification: Likely benign for KBG syndrome. Last evaluated: 2025-11-09. Review status: criteria provided, single submitter. Criteria: Invitae Variant Classification Sherloc (09022015). Collection method: clinical testing. Allele origin: germline.

Blueprint Genetics
Classification: Likely benign. Last evaluated: 2024-05-15. Review status: criteria provided, single submitter. Criteria: ACMG Guidelines, 2015. Collection method: clinical testing. Allele origin: germline.

CeGaT Center for Human Genetics Tuebingen
Classification: Likely benign. Last evaluated: 2022-11-01. Review status: criteria provided, single submitter. Criteria: CeGaT Center For Human Genetics Tuebingen Variant Classification Criteria Version 2. Collection method: clinical testing. Allele origin: germline. Affected: yes. Observed: 1 variant allele.
Comment: ANKRD11: BP4, BP7

Athena Diagnostics
Classification: Likely benign. Last evaluated: 2017-12-06. Review status: criteria provided, single submitter. Criteria: Athena Diagnostics Criteria. Collection method: clinical testing. Allele origin: germline.

NM_013275.6(ANKRD11):c.6621C>T (p.Pro2207=)

Gene: ANKRD11 (ankyrin repeat domain 11; minus strand). Cytogenetic location: 16q24.3.
Variant type: single nucleotide variant.
Coding change: c.6621C>T on transcript NM_013275.6 (MANE Select); coding-DNA position 6621, C replaced by T.
Protein change: p.Pro2207=; no amino-acid change (proline 2207 retained).
Molecular consequence: synonymous variant.
Genome position (GRCh38, 1-based): chr16:89,279,921, G>A on the plus strand (C>T on the coding strand, the complement: ANKRD11 is on the minus strand). VCF-style: chr16-89279921-G-A. GRCh37 (hg19) VCF-style: chr16-89346329-G-A.
Other names: c.6621C>T, p.Pro2207= (NM_001256182.2, NM_001256183.2).
Identifiers: ClinVar variation 585420 (VCV000585420.37), dbSNP rs539129565, ClinGen allele CA8241380.